The following is an entry in ClinVar:

NM_000240.4(MAOA):c.1410_1411delinsCC (p.Ile471Leu)

Gene: MAOA (monoamine oxidase A; plus strand). Cytogenetic location: Xp11.3.
Variant type: Indel.
Coding change: c.1410_1411delinsCC on transcript NM_000240.4 (MANE Select); coding-DNA positions 1410 to 1411, TA replaced by CC.
Protein change: p.Ile471Leu; replaces isoleucine 471 with leucine.
Molecular consequence: missense variant.
Genome position (GRCh38, 1-based): chrX:43,744,144-43,744,145, TA replaced by CC. VCF-style: chrX-43744144-TA-CC. GRCh37 (hg19) VCF-style: chrX-43603391-TA-CC.
Other names: c.1011_1012delinsCC, p.Ile338Leu (NM_001270458.2); short protein forms I471L, I338L.
Identifiers: ClinVar variation 4767434 (VCV004767434.1).

ClinVar aggregate classification (germline): Uncertain significance (1 of 4 stars; one submission).

Conditions:
Brunner syndrome (BRNRS). Identifiers: Orphanet 3057, MedGen C0796275, MONDO:0010379, OMIM 300615.

Submission:

Labcorp Genetics (formerly Invitae), Labcorp
Classification: Uncertain significance for Brunner syndrome. Last evaluated: 2025-01-31. Review status: criteria provided, single submitter. Criteria: Invitae Variant Classification Sherloc (09022015). Collection method: clinical testing. Allele origin: germline.
Comment: This sequence change replaces isoleucine, which is neutral and non-polar, with leucine, which is neutral and non-polar, at codon 471 of the MAOA protein (p.Ile471Leu). Information on the frequency of this variant in the gnomAD database is not available, as this variant may be reported differently in the database. This variant has not been reported in the literature in individuals affected with MAOA-related conditions. Experimental studies and prediction algorithms are not available or were not evaluated, and the functional significance of this variant is currently unknown. In summary, the available evidence is currently insufficient to determine the role of this variant in disease. Therefore, it has been classified as a Variant of Uncertain Significance.